The following is an entry in ClinVar:

NM_003185.4(TAF4):c.2193C>T (p.Gly731=)

Gene: TAF4 (TATA-box binding protein associated factor 4; minus strand). Cytogenetic location: 20q13.33.
Variant type: single nucleotide variant.
Coding change: c.2193C>T on transcript NM_003185.4 (MANE Select); coding-DNA position 2193, C replaced by T.
Protein change: p.Gly731=; no amino-acid change (glycine 731 retained).
Molecular consequence: synonymous variant.
Genome position (GRCh38, 1-based): chr20:62,006,540, G>A on the plus strand (C>T on the coding strand, the complement: TAF4 is on the minus strand). VCF-style: chr20-62006540-G-A. GRCh37 (hg19) VCF-style: chr20-60581596-G-A.
Identifiers: ClinVar variation 5006398 (VCV005006398.2).

ClinVar aggregate classification (germline): Uncertain significance (1 of 4 stars; one submission).

Conditions:
Intellectual developmental disorder, autosomal dominant 73 (MRD73). Also called: TAF4-RELATED NDD; TAF4-RELATED NEURODEVELOPMENTAL DISORDER. Identifiers: MedGen C5830636, MONDO:0957536, OMIM 620450.

gnomAD v4.1: 8 of 1,555,804 alleles (0.00051%); highest among the groups gnomAD compares: East Asian, 0.0096%; no homozygotes.

Submission:

Juno Genomics, Hangzhou Juno Genomics, Inc
Classification: Uncertain significance for Intellectual developmental disorder, autosomal dominant 73. Review status: criteria provided, single submitter. Criteria: ACMG Guidelines, 2015. Collection method: clinical testing. Allele origin: germline.
Comment: Absent from controls (or at extremely low frequency if recessive) in Genome Aggregation Database.;Multiple lines of computational evidence support a deleterious effect on the gene or gene product.